The following is an entry in ClinVar:

NM_198965.2(PTHLH):c.458C>G (p.Thr153Ser)

Gene: PTHLH (parathyroid hormone like hormone; minus strand). Cytogenetic location: 12p11.22.
Variant type: single nucleotide variant.
Coding change: c.458C>G on transcript NM_198965.2 (MANE Select); coding-DNA position 458, C replaced by G.
Protein change: p.Thr153Ser; replaces threonine 153 with serine.
Molecular consequence: missense variant.
Genome position (GRCh38, 1-based): chr12:27,963,414, G>C on the plus strand (C>G on the coding strand, the complement: PTHLH is on the minus strand). VCF-style: chr12-27963414-G-C. GRCh37 (hg19) VCF-style: chr12-28116347-G-C.
Other names: c.458C>G, p.Thr153Ser (NM_002820.3, NM_198964.2, NM_198966.2); short protein forms T153S.
Identifiers: ClinVar variation 1351140 (VCV001351140.8), dbSNP rs1017918214, ClinGen allele CA384338755.
Genomic context (GRCh38, chr12:27,963,414, plus strand): 5'-TCGAGCTCCAGCGACGTTGTGGAGGTGTCAGACAGGTGGTCCCCTTCTAGCCCACTCCCA[G>C]TCACTCCAGAGTCTAACCAGGCAGAGCGAGTTCGCCGTTTTTTCTTTTCCTGCTCCTTGC-3'
Protein context (NP_945316.1, residues 143-163): TRSAWLDSGV[Thr153Ser]GSGLEGDHLS

ClinVar aggregate classification (germline): Uncertain significance (1 of 4 stars; one submission).

Submission:

Labcorp Genetics (formerly Invitae), Labcorp
Classification: Uncertain significance. Last evaluated: 2024-10-07. Review status: criteria provided, single submitter. Criteria: Invitae Variant Classification Sherloc (09022015). Collection method: clinical testing. Allele origin: germline.
Comment: This sequence change replaces threonine, which is neutral and polar, with serine, which is neutral and polar, at codon 153 of the PTHLH protein (p.Thr153Ser). This variant is not present in population databases (gnomAD no frequency). This variant has not been reported in the literature in individuals affected with PTHLH-related conditions. ClinVar contains an entry for this variant (Variation ID: 1351140). An algorithm developed to predict the effect of missense changes on protein structure and function (PolyPhen-2) suggests that this variant is likely to be tolerated. In summary, the available evidence is currently insufficient to determine the role of this variant in disease. Therefore, it has been classified as a Variant of Uncertain Significance.